The following is an entry in ClinVar:

NM_006662.3(SRCAP):c.6940C>T (p.Arg2314Cys)

Gene: SRCAP (Snf2 related CREBBP activator protein; plus strand). Cytogenetic location: 16p11.2.
Variant type: single nucleotide variant.
Coding change: c.6940C>T on transcript NM_006662.3 (MANE Select); coding-DNA position 6940, C replaced by T.
Protein change: p.Arg2314Cys; replaces arginine 2314 with cysteine.
Molecular consequence: missense variant.
Genome position (GRCh38, 1-based): chr16:30,736,556, C>T. VCF-style: chr16-30736556-C-T. GRCh37 (hg19) VCF-style: chr16-30747877-C-T.
Other names: c.6940C>T (NM_006662.2); short protein forms R2314C.
Identifiers: ClinVar variation 2180692 (VCV002180692.3), dbSNP rs745546363, ClinGen allele CA8012376.
Genomic context (GRCh38, chr16:30,736,556, plus strand): 5'-TGGGTACCAGGTTCCTAAGTTTATCACCACCGCTCCTCCTTGCAGCTGACCCCCATTGAG[C>T]GCTATGCCATGAAATTCCTGGAGGCCTCACTGGAGGAGGTGAGCCGAGAGGAGCTCAAAC-3'
Protein context (NP_006653.2, residues 2304-2324): ALVEQLTPIE[Arg2314Cys]YAMKFLEASL

ClinVar aggregate classification (germline): Conflicting classifications of pathogenicity. Review status: criteria provided, conflicting classifications (1 of 4 stars). 3 submissions from 3 submitters: Uncertain significance (2); Likely benign (1). Last evaluated 2024-05-18.

Conditions:
Developmental delay, hypotonia, musculoskeletal defects, and behavioral abnormalities. Identifiers: MedGen C5562012, MONDO:0859202, OMIM 619595.
Floating-Harbor syndrome (FLHS). Also called: Short stature with delayed bone age, expressive language delay, a triangular face with a prominent nose and deep-set eyes; Pelletier-Leisti syndrome; SRCAP-Related Floating-Harbor Syndrome. Identifiers: Orphanet 2044, MedGen C0729582, MONDO:0007621, OMIM 136140.
Inborn genetic diseases. Identifiers: MedGen C0950123, MeSH D030342.

Allele frequency attached by ClinVar (database versions not stated): TOPMed 0.00004; gnomAD 0.00005.
gnomAD v4.1: 80 of 1,613,986 alleles (0.005%); highest among the groups gnomAD compares: East Asian, 0.15%; no homozygotes.

Submissions (3):

Fulgent Genetics
Classification: Uncertain significance for Floating-Harbor syndrome; Developmental delay, hypotonia, musculoskeletal defects, and behavioral abnormalities. Last evaluated: 2024-05-18. Review status: criteria provided, single submitter. Criteria: ACMG Guidelines, 2015. Collection method: clinical testing. Allele origin: germline.

Ambry Genetics
Classification: Likely benign for Inborn genetic diseases. Last evaluated: 2023-11-27. Review status: criteria provided, single submitter. Criteria: Ambry Variant Classification Scheme 2023. Collection method: clinical testing. Allele origin: germline.

Labcorp Genetics (formerly Invitae), Labcorp
Classification: Uncertain significance. Last evaluated: 2022-07-05. Review status: criteria provided, single submitter. Criteria: Invitae Variant Classification Sherloc (09022015). Collection method: clinical testing. Allele origin: germline.
Comment: This sequence change replaces arginine, which is basic and polar, with cysteine, which is neutral and slightly polar, at codon 2314 of the SRCAP protein (p.Arg2314Cys). This variant is present in population databases (rs745546363, gnomAD 0.05%). This variant has not been reported in the literature in individuals affected with SRCAP-related conditions. Algorithms developed to predict the effect of missense changes on protein structure and function (SIFT, PolyPhen-2, Align-GVGD) all suggest that this variant is likely to be disruptive. In summary, the available evidence is currently insufficient to determine the role of this variant in disease. Therefore, it has been classified as a Variant of Uncertain Significance.